The following is an entry in ClinVar:

ClinVar aggregate classification (germline): Pathogenic/Likely pathogenic. Review status: criteria provided, multiple submitters, no conflicts (2 of 4 stars). 2 submissions from 2 submitters: Pathogenic (1); Likely pathogenic (1). Last evaluated 2021-02-21.

Conditions:
Myofibrillar myopathy 6. Identifiers: Orphanet 199340, MedGen C2751831, MONDO:0013061, OMIM 612954.
Dilated cardiomyopathy 1HH (CMD1HH). Identifiers: Orphanet 154, MedGen C3151293, MONDO:0013479, OMIM 613881.

Submissions (2):

Labcorp Genetics (formerly Invitae), Labcorp
Classification: Pathogenic for Dilated cardiomyopathy 1HH; Myofibrillar myopathy 6. Last evaluated: 2021-02-21. Review status: criteria provided, single submitter. Criteria: Invitae Variant Classification Sherloc (09022015). Collection method: clinical testing. Allele origin: germline.
Comment: For these reasons, this variant has been classified as Pathogenic. This variant has not been reported in the literature in individuals with BAG3-related conditions. ClinVar contains an entry for this variant (Variation ID: 504333). This variant is not present in population databases (ExAC no frequency). This sequence change creates a premature translational stop signal (p.Tyr86*) in the BAG3 gene. It is expected to result in an absent or disrupted protein product. Loss-of-function variants in BAG3 are known to be pathogenic (PMID: 21353195, 25008357).

GeneDx
Classification: Likely pathogenic. Last evaluated: 2018-02-26. Review status: criteria provided, single submitter. Criteria: GeneDx Variant Classification (06012015). Collection method: clinical testing. Allele origin: germline. Affected: yes.
Comment: The Y86X variant in the BAG3 gene has not been reported previously as a pathogenic variant nor as a benign variant, to our knowledge. This variant is predicted to cause loss of normal protein function either through protein truncation or nonsense-mediated mRNA decay. The Y86X variant is not observed in large population cohorts (Lek et al., 2016). We interpret Y86X as a likely pathogenic variant.

Literature cited by the submitters: PubMed 21353195 (cited by Labcorp Genetics (formerly Invitae), Labcorp); PubMed 25008357 (cited by Labcorp Genetics (formerly Invitae), Labcorp).

NM_004281.4(BAG3):c.258C>G (p.Tyr86Ter)

Gene: BAG3 (BAG cochaperone 3; plus strand). Cytogenetic location: 10q26.11.
Variant type: single nucleotide variant.
Coding change: c.258C>G on transcript NM_004281.4 (MANE Select); coding-DNA position 258, C replaced by G.
Protein change: p.Tyr86Ter; replaces tyrosine 86 with a stop codon.
Molecular consequence: nonsense.
Genome position (GRCh38, 1-based): chr10:119,669,928, C>G. VCF-style: chr10-119669928-C-G. GRCh37 (hg19) VCF-style: chr10-121429440-C-G.
Other names: short protein forms Y86*.
Identifiers: ClinVar variation 504333 (VCV000504333.9), dbSNP rs1554876999, ClinGen allele CA378294739.
Genomic context (GRCh38, chr10:119,669,928, plus strand): 5'-CAATGGCCCTTCCCGGGAGGGCTCTAGGCTGCCGCCTGCTAGGGAAGGCCACCCTGTGTA[C>G]CCCCAGCTCCGACCAGGCTACATTCCCATTCCTGTGCTCCATGAAGGCGCTGAGAACCGG-3'